The following is an entry in ClinVar:

ClinVar aggregate classification (germline): Conflicting classifications of pathogenicity. Review status: criteria provided, conflicting classifications (1 of 4 stars). 9 submissions from 9 submitters: Uncertain significance (1); Benign (3); Likely benign (4). 1 of the submissions does not count toward it. Last evaluated 2026-01-21.

Conditions:
Neuromuscular disease caused by qualitative or quantitative defects of dysferlin. Also called: Dysferlinopathy; Qualitative or quantitative defects of dysferlin. Identifiers: Orphanet 207073, MedGen C2931687, MONDO:0016145.
Autosomal recessive limb-girdle muscular dystrophy type 2B (LGMDR2). Also called: MUSCULAR DYSTROPHY, LIMB-GIRDLE, AUTOSOMAL RECESSIVE 2; Limb-girdle muscular dystrophy, type 2B; Limb-Girdle Muscular Dystrophy Type 2B (LGMD2B); MUSCULAR DYSTROPHY, LIMB-GIRDLE, TYPE 3. Identifiers: Orphanet 268, MedGen C1850889, MONDO:0009676, OMIM 253601.
Miyoshi muscular dystrophy 1 (MMD1). Identifiers: Orphanet 45448, MedGen C4551973, MONDO:0024545, OMIM 254130.

Allele frequency attached by ClinVar (database versions not stated): gnomAD exomes 0.00031 and 0.00061; ExAC 0.00072; gnomAD 0.00133 and 0.00143; 1000 Genomes Project 0.00140; 1000 Genomes Project 30x 0.00141; ESP Exome Variant Server 0.00146; TOPMed 0.00155.
gnomAD v4.1: 685 of 1,614,056 alleles (0.042%); highest among the groups gnomAD compares: African/African-American, 0.45%; 3 homozygotes.

Submissions (9):

Labcorp Genetics (formerly Invitae), Labcorp
Classification: Benign for Neuromuscular disease caused by qualitative or quantitative defects of dysferlin. Last evaluated: 2026-01-21. Review status: criteria provided, single submitter. Criteria: Invitae Variant Classification Sherloc (09022015). Collection method: clinical testing. Allele origin: germline.

Mayo Clinic Laboratories, Mayo Clinic
Classification: Likely benign. Last evaluated: 2025-03-12. Review status: criteria provided, single submitter. Criteria: ACMG Guidelines, 2015. Collection method: clinical testing. Allele origin: germline. Observed: 4 variant alleles.
Comment: BP4, BP7

Blueprint Genetics
Classification: Likely benign. Last evaluated: 2024-11-13. Review status: criteria provided, single submitter. Criteria: ACMG Guidelines, 2015. Collection method: clinical testing. Allele origin: germline.

GeneDx
Classification: Likely benign. Last evaluated: 2021-10-15. Review status: criteria provided, single submitter. Criteria: GeneDx Variant Classification Process June 2021. Collection method: clinical testing. Allele origin: germline. Affected: yes.

Genome-Nilou Lab
Classification: Likely benign for Miyoshi muscular dystrophy 1. Last evaluated: 2021-05-18. Review status: criteria provided, single submitter. Criteria: ACMG Guidelines, 2015. Collection method: clinical testing. Allele origin: germline. Affected: no.

Athena Diagnostics
Classification: Benign. Last evaluated: 2019-04-27. Review status: criteria provided, single submitter. Criteria: Athena Diagnostics Criteria. Collection method: clinical testing. Allele origin: germline.

Illumina Laboratory Services, Illumina
Classification: Uncertain significance for Qualitative or quantitative defects of dysferlin. Last evaluated: 2017-04-27. Review status: criteria provided, single submitter. Criteria: ICSL Variant Classification Criteria 13 December 2019. Collection method: clinical testing. Allele origin: germline.

Eurofins Ntd Llc (ga)
Classification: Benign. Last evaluated: 2017-04-05. Review status: criteria provided, single submitter. Criteria: EGL Classification Definitions 2015. Collection method: clinical testing. Allele origin: germline. Observed: 2 variant alleles, 2 heterozygotes.

Natera, Inc.
Classification: Benign for Limb-girdle muscular dystrophy type 2B. Last evaluated: 2020-07-10. Review status: no assertion criteria provided. Collection method: clinical testing. Allele origin: germline. Not counted in ClinVar's aggregate classification.

NM_001130987.2(DYSF):c.6180C>T (p.Pro2060=)

Gene: DYSF (dysferlin; plus strand). Cytogenetic location: 2p13.2.
Variant type: single nucleotide variant.
Coding change: c.6180C>T on transcript NM_001130987.2 (MANE Select); coding-DNA position 6180, C replaced by T.
Protein change: p.Pro2060=; no amino-acid change (proline 2060 retained).
Molecular consequence: synonymous variant.
Genome position (GRCh38, 1-based): chr2:71,682,536, C>T. VCF-style: chr2-71682536-C-T. GRCh37 (hg19) VCF-style: chr2-71909666-C-T.
Other names: p.Pro2021=; c.6066C>T, p.Pro2022= (NM_001130455.2); c.6021C>T, p.Pro2007= (NM_001130976.2); c.6084C>T, p.Pro2028= (NM_001130977.2); c.6126C>T, p.Pro2042= (NM_001130978.2); c.6156C>T, p.Pro2052= (NM_001130979.2); c.6114C>T, p.Pro2038= (NM_001130980.2); c.6177C>T, p.Pro2059= (NM_001130981.2); and 6 more.
Identifiers: ClinVar variation 281355 (VCV000281355.27), dbSNP rs147263499, ClinGen allele CA1707641.